The following is an entry in ClinVar:

NM_006231.4(POLE):c.1311G>A (p.Val437=)

Gene: POLE (DNA polymerase epsilon, catalytic subunit; minus strand). Cytogenetic location: 12q24.33.
Variant type: single nucleotide variant.
Coding change: c.1311G>A on transcript NM_006231.4 (MANE Select); coding-DNA position 1311, G replaced by A.
Protein change: p.Val437=; no amino-acid change (valine 437 retained).
Molecular consequence: synonymous variant.
Genome position (GRCh38, 1-based): chr12:132,673,623, C>T on the plus strand (G>A on the coding strand, the complement: POLE is on the minus strand). VCF-style: chr12-132673623-C-T. GRCh37 (hg19) VCF-style: chr12-133250209-C-T.
Identifiers: ClinVar variation 938050 (VCV000938050.13), dbSNP rs2042981316, ClinGen allele CA482722787.

ClinVar aggregate classification (germline): Benign/Likely benign. Review status: criteria provided, multiple submitters, no conflicts (2 of 4 stars). 3 submissions from 3 submitters: Benign (1); Likely benign (2). Last evaluated 2025-08-29.

Conditions:
Hereditary cancer-predisposing syndrome. Also called: Tumor predisposition; Hereditary neoplastic syndrome; Hereditary Cancer Syndrome; Neoplastic Syndromes, Hereditary. Identifiers: Orphanet 140162, MedGen C0027672, MeSH D009386, MONDO:0015356.
Colorectal cancer, susceptibility to, 12 (CRCS12). Also called: COLORECTAL CANCER, SUSCEPTIBILITY TO, ON CHROMOSOME 12q24. Identifiers: Orphanet 220460, MedGen C3554460, MONDO:0014038, OMIM 615083.

Allele frequency attached by ClinVar (database versions not stated): gnomAD exomes below 0.00001.
gnomAD v4.1: 1 of 1,613,918 alleles (0.000062%); no homozygotes.

Submissions (3):

Labcorp Genetics (formerly Invitae), Labcorp
Classification: Likely benign. Last evaluated: 2025-08-29. Review status: criteria provided, single submitter. Criteria: Invitae Variant Classification Sherloc (09022015). Collection method: clinical testing. Allele origin: germline.

Myriad Genetics, Inc.
Classification: Benign for Colorectal cancer, susceptibility to, 12. Last evaluated: 2025-02-10. Review status: criteria provided, single submitter. Criteria: Myriad Autosomal Dominant, Autosomal Recessive and X-Linked Classification Criteria (2023). Collection method: clinical testing. Allele origin: unknown.
Comment: This variant is considered benign. This variant is a silent/synonymous amino acid change and it is not expected to impact splicing.

Ambry Genetics
Classification: Likely benign for Hereditary cancer-predisposing syndrome. Last evaluated: 2017-10-10. Review status: criteria provided, single submitter. Criteria: Ambry Variant Classification Scheme 2023. Collection method: clinical testing. Allele origin: germline.